The following is an entry in ClinVar:

NM_001009944.3(PKD1):c.9647A>T (p.Asn3216Ile)

Gene: PKD1 (polycystin 1, transient receptor potential channel interacting; minus strand). Cytogenetic location: 16p13.3.
Variant type: single nucleotide variant.
Coding change: c.9647A>T on transcript NM_001009944.3 (MANE Select); coding-DNA position 9647, A replaced by T.
Protein change: p.Asn3216Ile; replaces asparagine 3216 with isoleucine.
Molecular consequence: missense variant.
Genome position (GRCh38, 1-based): chr16:2,100,231, T>A on the plus strand (A>T on the coding strand, the complement: PKD1 is on the minus strand). VCF-style: chr16-2100231-T-A. GRCh37 (hg19) VCF-style: chr16-2150232-T-A.
Other names: c.9647A>T, p.Asn3216Ile (NM_000296.4); short protein forms N3216I.
Identifiers: ClinVar variation 3349410 (VCV003349410.3).
Genomic context (GRCh38, chr16:2,100,231, plus strand): 5'-GCCAGCACCTCCTTCTCCACCAGGCCCCCGTTGGCCTCCGTCTCCACCGAAAGCCAGTCA[T>A]TGACCAGGAAGAAGGCGCTGCGTGCCGTCTGCAGGTCCCTGACGATGACGTGCTGCAGGA-3'
Protein context (NP_001009944.3, residues 3206-3226): QTARSAFFLV[Asn3216Ile]DWLSVETEAN

ClinVar aggregate classification (germline): Conflicting classifications of pathogenicity. Review status: criteria provided, conflicting classifications (1 of 4 stars). 2 submissions from 2 submitters: Likely pathogenic (1); Uncertain significance (1). Last evaluated 2025-02-07.

Conditions:
PKD1-related disorder. Also called: PKD1-related condition.

Submissions (2):

PreventionGenetics, part of Exact Sciences
Classification: Uncertain significance for PKD1-related condition. Last evaluated: 2025-02-07. Review status: criteria provided, single submitter. Criteria: ACMG Guidelines, 2015. Collection method: clinical testing. Allele origin: germline.
Comment: The PKD1 c.9647A>T variant is predicted to result in the amino acid substitution p.Asn3216Ile. To our knowledge, this variant has not been reported in the literature or in a large population database (gnomAD), indicating this variant is rare. Although we suspect that this variant may be pathogenic, at this time, the clinical significance of this variant is uncertain due to the absence of conclusive functional and genetic evidence.

Blueprint Genetics
Classification: Likely pathogenic for PKD1-related disorders. Last evaluated: 2020-03-05. Review status: criteria provided, single submitter. Criteria: ACMG Guidelines, 2015. Collection method: clinical testing. Allele origin: germline. Affected: yes. Observed: 1 variant allele.